The following is an entry in ClinVar:

ClinVar aggregate classification (germline): Uncertain significance (1 of 4 stars; one submission).

Submission:

Labcorp Genetics (formerly Invitae), Labcorp
Classification: Uncertain significance. Last evaluated: 2024-08-17. Review status: criteria provided, single submitter. Criteria: Invitae Variant Classification Sherloc (09022015). Collection method: clinical testing. Allele origin: germline.
Comment: This sequence change replaces serine, which is neutral and polar, with tyrosine, which is neutral and polar, at codon 441 of the ATR protein (p.Ser441Tyr). This variant is not present in population databases (gnomAD no frequency). This variant has not been reported in the literature in individuals affected with ATR-related conditions. An algorithm developed to predict the effect of missense changes on protein structure and function outputs the following: PolyPhen-2: "Benign". The tyrosine amino acid residue is found in multiple mammalian species, which suggests that this missense change does not adversely affect protein function. In summary, the available evidence is currently insufficient to determine the role of this variant in disease. Therefore, it has been classified as a Variant of Uncertain Significance.

NM_001184.4(ATR):c.1322C>A (p.Ser441Tyr)

Gene: ATR (ATR checkpoint kinase; minus strand). Cytogenetic location: 3q23.
Variant type: single nucleotide variant.
Coding change: c.1322C>A on transcript NM_001184.4 (MANE Select); coding-DNA position 1322, C replaced by A.
Protein change: p.Ser441Tyr; replaces serine 441 with tyrosine.
Molecular consequence: missense variant.
Genome position (GRCh38, 1-based): chr3:142,561,270, G>T on the plus strand (C>A on the coding strand, the complement: ATR is on the minus strand). VCF-style: chr3-142561270-G-T. GRCh37 (hg19) VCF-style: chr3-142280112-G-T.
Other names: c.1322C>A, p.Ser441Tyr (NM_001354579.2); short protein forms S441Y.
Identifiers: ClinVar variation 3690845 (VCV003690845.2).